The following is an entry in ClinVar:

NM_017433.5(MYO3A):c.2164G>A (p.Glu722Lys)

Gene: MYO3A (myosin IIIA; plus strand). Cytogenetic location: 10p12.1.
Variant type: single nucleotide variant.
Coding change: c.2164G>A on transcript NM_017433.5 (MANE Select); coding-DNA position 2164, G replaced by A.
Protein change: p.Glu722Lys; replaces glutamic acid 722 with lysine.
Molecular consequence: missense variant.
Genome position (GRCh38, 1-based): chr10:26,128,440, G>A. VCF-style: chr10-26128440-G-A. GRCh37 (hg19) VCF-style: chr10-26417369-G-A.
Other names: short protein forms E722K.
Identifiers: ClinVar variation 1508144 (VCV001508144.6), dbSNP rs1190265580, ClinGen allele CA376341882.

ClinVar aggregate classification (germline): Uncertain significance (1 of 4 stars; one submission).

Submission:

Labcorp Genetics (formerly Invitae), Labcorp
Classification: Uncertain significance. Last evaluated: 2025-09-02. Review status: criteria provided, single submitter. Criteria: Invitae Variant Classification Sherloc (09022015). Collection method: clinical testing. Allele origin: germline.
Comment: This sequence change replaces glutamic acid, which is acidic and polar, with lysine, which is basic and polar, at codon 722 of the MYO3A protein (p.Glu722Lys). This variant is not present in population databases (gnomAD no frequency). This variant has not been reported in the literature in individuals affected with MYO3A-related conditions. ClinVar contains an entry for this variant (Variation ID: 1508144). Invitae Evidence Modeling of protein sequence and biophysical properties (such as structural, functional, and spatial information, amino acid conservation, physicochemical variation, residue mobility, and thermodynamic stability) indicates that this missense variant is expected to disrupt MYO3A protein function with a positive predictive value of 80%. In summary, the available evidence is currently insufficient to determine the role of this variant in disease. Therefore, it has been classified as a Variant of Uncertain Significance.